The following is an entry in ClinVar:

ClinVar aggregate classification (germline): Uncertain significance. Review status: criteria provided, multiple submitters, no conflicts (2 of 4 stars). 4 submissions from 4 submitters: Uncertain significance (3). 1 of the submissions does not count toward it. Last evaluated 2024-10-28.

Conditions:
GREB1L-related disorder. Also called: GREB1L-related condition.

Allele frequency attached by ClinVar (database versions not stated): TOPMed below 0.00001; ExAC 0.00004.

Submissions (4):

Labcorp Genetics (formerly Invitae), Labcorp
Classification: Uncertain significance. Last evaluated: 2024-10-28. Review status: criteria provided, single submitter. Criteria: Invitae Variant Classification Sherloc (09022015). Collection method: clinical testing. Allele origin: germline.
Comment: This sequence change replaces serine, which is neutral and polar, with threonine, which is neutral and polar, at codon 634 of the GREB1L protein (p.Ser634Thr). This variant is present in population databases (rs748258684, gnomAD 0.008%). This variant has not been reported in the literature in individuals affected with GREB1L-related conditions. ClinVar contains an entry for this variant (Variation ID: 2634686). An algorithm developed to predict the effect of missense changes on protein structure and function (PolyPhen-2) suggests that this variant is likely to be tolerated. In summary, the available evidence is currently insufficient to determine the role of this variant in disease. Therefore, it has been classified as a Variant of Uncertain Significance.

Revvity Omics, Revvity
Classification: Uncertain significance. Last evaluated: 2023-02-14. Review status: criteria provided, single submitter. Criteria: ACMG Guidelines, 2015. Collection method: clinical testing. Allele origin: germline.

CeGaT Center for Human Genetics Tuebingen
Classification: Uncertain significance. Last evaluated: 2022-05-01. Review status: criteria provided, single submitter. Criteria: CeGaT Center For Human Genetics Tuebingen Variant Classification Criteria Version 2. Collection method: clinical testing. Allele origin: germline. Affected: yes. Observed: 1 variant allele.
Comment: GREB1L: PM2, PP2, BP4

PreventionGenetics, part of Exact Sciences
Classification: Uncertain significance for GREB1L-related condition. Last evaluated: 2024-01-29. Review status: no assertion criteria provided. Collection method: clinical testing. Allele origin: germline. Not counted in ClinVar's aggregate classification.
Comment: The GREB1L c.1901G>C variant is predicted to result in the amino acid substitution p.Ser634Thr. To our knowledge, this variant has not been reported in the literature. This variant is reported in 0.012% of alleles in individuals of Ashkenazi Jewish descent in gnomAD. At this time, the clinical significance of this variant is uncertain due to the absence of conclusive functional and genetic evidence.

NM_001142966.3(GREB1L):c.1901G>C (p.Ser634Thr)

Gene: GREB1L (GREB1 like retinoic acid receptor coactivator; plus strand). Cytogenetic location: 18q11.1.
Variant type: single nucleotide variant.
Coding change: c.1901G>C on transcript NM_001142966.3 (MANE Select); coding-DNA position 1901, G replaced by C.
Protein change: p.Ser634Thr; replaces serine 634 with threonine.
Molecular consequence: missense variant.
Genome position (GRCh38, 1-based): chr18:21,452,134, G>C. VCF-style: chr18-21452134-G-C. GRCh37 (hg19) VCF-style: chr18-19032095-G-C.
Other names: c.1901G>C (NM_001142966.2); c.2030G>C, p.Ser677Thr (NM_001410867.1); c.1574G>C, p.Ser525Thr (NM_001410868.1); short protein forms S525T, S634T, S677T.
Identifiers: ClinVar variation 2634686 (VCV002634686.30), dbSNP rs748258684, ClinGen allele CA8906440.
Genomic context (GRCh38, chr18:21,452,134, plus strand): 5'-TTGTAATAGGCGATGACCTAGACAAGCTGCTGGAAAAAATGCAACAAAGAAGAGGAGACA[G>C]TGTGGTTACCCCTTTCGATGGAGACCTTAATGAATGTGTGTCACCCCAGGAGGCTGCTGC-3'
Protein context (NP_001136438.1, residues 624-644): LEKMQQRRGD[Ser634Thr]VVTPFDGDLN